The following is an entry in ClinVar:

NM_000138.5(FBN1):c.3132C>A (p.Cys1044Ter)

Gene: FBN1 (fibrillin 1; minus strand). Cytogenetic location: 15q21.1.
Variant type: single nucleotide variant.
Coding change: c.3132C>A on transcript NM_000138.5 (MANE Select); coding-DNA position 3132, C replaced by A.
Protein change: p.Cys1044Ter; replaces cysteine 1044 with a stop codon.
Molecular consequence: nonsense.
Genome position (GRCh38, 1-based): chr15:48,488,444, G>T on the plus strand (C>A on the coding strand, the complement: FBN1 is on the minus strand). VCF-style: chr15-48488444-G-T. GRCh37 (hg19) VCF-style: chr15-48780641-G-T.
Other names: short protein forms C1044*.
Identifiers: ClinVar variation 549130 (VCV000549130.18), dbSNP rs1555398677, ClinGen allele CA392328136.
Genomic context (GRCh38, chr15:48,488,444, plus strand): 5'-TTCAGAATCAAGAGCAAAGCCGCTGTCACACCTGCACTTAAAGCTGCCAATGGTGTTTCT[G>T]CACTTGCCGTGGGTGCAGAGGCTGGGTATCATCTTGCACTCATTGATATCTTCAAGAATA-3'

ClinVar aggregate classification (germline): Pathogenic. Review status: criteria provided, single submitter (1 of 4 stars). 2 submissions from 2 submitters: Pathogenic (1). 1 of the submissions does not count toward it. Last evaluated 2021-03-01.

Conditions:
Marfan syndrome (MFS). Also called: Marfan syndrome type 1; Marfan syndrome, classic; Marfan's syndrome; FBN1-Related Marfan Syndrome; MARFAN SYNDROME, TYPE I. Identifiers: Orphanet 284963, Orphanet 558, MedGen C0024796, MONDO:0007947, OMIM 154700.

Submissions (2):

Centre of Medical Genetics, University of Antwerp
Classification: Pathogenic for Marfan syndrome. Last evaluated: 2021-03-01. Review status: criteria provided, single submitter. Criteria: Submitter's publication. Collection method: research. Allele origin: unknown. Affected: yes.
Comment: PM2, PVS1, PP4

Center for Medical Genetics Ghent, University of Ghent
Classification: Pathogenic for Marfan syndrome. Last evaluated: 2017-11-07. Review status: no assertion criteria provided. Collection method: clinical testing. Allele origin: germline. Affected: yes. Not counted in ClinVar's aggregate classification.